The following is an entry in ClinVar:

ClinVar aggregate classification (germline): Uncertain significance. Review status: criteria provided, multiple submitters, no conflicts (2 of 4 stars). 2 submissions from 2 submitters: Uncertain significance (2). Last evaluated 2025-07-25.

Conditions:
Hereditary cancer-predisposing syndrome. Also called: Neoplastic Syndromes, Hereditary; Tumor predisposition; Hereditary neoplastic syndrome; Hereditary Cancer Syndrome. Identifiers: Orphanet 140162, MedGen C0027672, MeSH D009386, MONDO:0015356.

Allele frequency attached by ClinVar (database versions not stated): gnomAD exomes below 0.00001.
gnomAD v4.1: 2 of 1,614,020 alleles (0.00012%); highest among the groups gnomAD compares: South Asian, 0.0011%; no homozygotes.

Submissions (2):

Ambry Genetics
Classification: Uncertain significance for Hereditary cancer-predisposing syndrome. Last evaluated: 2025-07-25. Review status: criteria provided, single submitter. Criteria: Ambry Variant Classification Scheme 2023. Collection method: clinical testing. Allele origin: germline.
Comment: The p.C1357R variant (also known as c.4069T>C), located in coding exon 32 of the POLE gene, results from a T to C substitution at nucleotide position 4069. The cysteine at codon 1357 is replaced by arginine, an amino acid with highly dissimilar properties. This amino acid position is conserved. In addition, the in silico prediction for this alteration is inconclusive. Based on the available evidence, the clinical significance of this variant remains unclear.

Labcorp Genetics (formerly Invitae), Labcorp
Classification: Uncertain significance. Last evaluated: 2023-07-30. Review status: criteria provided, single submitter. Criteria: Invitae Variant Classification Sherloc (09022015). Collection method: clinical testing. Allele origin: germline.
Comment: In summary, the available evidence is currently insufficient to determine the role of this variant in disease. Therefore, it has been classified as a Variant of Uncertain Significance. Advanced modeling of protein sequence and biophysical properties (such as structural, functional, and spatial information, amino acid conservation, physicochemical variation, residue mobility, and thermodynamic stability) performed at Invitae indicates that this missense variant is not expected to disrupt POLE protein function. ClinVar contains an entry for this variant (Variation ID: 568965). This variant has not been reported in the literature in individuals affected with POLE-related conditions. This variant is not present in population databases (gnomAD no frequency). This sequence change replaces cysteine, which is neutral and slightly polar, with arginine, which is basic and polar, at codon 1357 of the POLE protein (p.Cys1357Arg).

NM_006231.4(POLE):c.4069T>C (p.Cys1357Arg)

Gene: POLE (DNA polymerase epsilon, catalytic subunit; minus strand). Cytogenetic location: 12q24.33.
Variant type: single nucleotide variant.
Coding change: c.4069T>C on transcript NM_006231.4 (MANE Select); coding-DNA position 4069, T replaced by C.
Protein change: p.Cys1357Arg; replaces cysteine 1357 with arginine.
Molecular consequence: missense variant.
Genome position (GRCh38, 1-based): chr12:132,649,009, A>G on the plus strand (T>C on the coding strand, the complement: POLE is on the minus strand). VCF-style: chr12-132649009-A-G. GRCh37 (hg19) VCF-style: chr12-133225595-A-G.
Other names: c.4069T>C (NM_006231.2); short protein forms C1357R.
Identifiers: ClinVar variation 568965 (VCV000568965.9), dbSNP rs1565945381, ClinGen allele CA387383828.
Genomic context (GRCh38, chr12:132,649,009, plus strand): 5'-CCTCCGCTTTAGCGACTCGCTGGTTCACGTAGAACACACGGGGGATGCTCAGCCTGATGC[A>G]GTGCAAGTCACTGCCAACGAGCGCCCACAGCCTGAACAGGCCGGCCTGGCTGGTCTCGCT-3'
Protein context (NP_006222.2, residues 1347-1367): LWALVGSDLH[Cys1357Arg]IRLSIPRVFY